The following is an entry in ClinVar:

ClinVar aggregate classification (germline): Likely benign. Review status: criteria provided, multiple submitters, no conflicts (2 of 4 stars). 3 submissions from 3 submitters: Likely benign (2). 1 of the submissions does not count toward it. Last evaluated 2025-10-27.

Conditions:
Tatton-Brown-Rahman overgrowth syndrome. Also called: Tall stature-intellectual disability-facial dysmorphism syndrome; Tatton-Brown-Rahman syndrome. Identifiers: Orphanet 404443, MedGen C4014545, MONDO:0014382, OMIM 615879.
DNMT3A-related disorder. Also called: DNMT3A-related disorders; DNMT3A-related condition.

Allele frequency attached by ClinVar (database versions not stated): gnomAD exomes below 0.00001; ExAC 0.00001; gnomAD 0.00001; TOPMed 0.00001.
gnomAD v4.1: 13 of 1,561,534 alleles (0.00083%); highest among the groups gnomAD compares: African/African-American, 0.0027%; no homozygotes.

Submissions (3):

Labcorp Genetics (formerly Invitae), Labcorp
Classification: Likely benign for Tatton-Brown-Rahman overgrowth syndrome. Last evaluated: 2025-10-27. Review status: criteria provided, single submitter. Criteria: Invitae Variant Classification Sherloc (09022015). Collection method: clinical testing. Allele origin: germline.

GeneDx
Classification: Likely benign. Last evaluated: 2020-11-23. Review status: criteria provided, single submitter. Criteria: GeneDx Variant Classification Process June 2021. Collection method: clinical testing. Allele origin: germline. Affected: yes.

PreventionGenetics, part of Exact Sciences
Classification: Likely benign for DNMT3A-related condition. Last evaluated: 2023-06-30. Review status: no assertion criteria provided. Collection method: clinical testing. Allele origin: germline. Not counted in ClinVar's aggregate classification.
Comment: This variant is classified as likely benign based on ACMG/AMP sequence variant interpretation guidelines (Richards et al. 2015 PMID: 25741868, with internal and published modifications).

NM_022552.5(DNMT3A):c.210G>A (p.Ala70=)

Gene: DNMT3A (DNA methyltransferase 3 alpha; minus strand). Cytogenetic location: 2p23.3.
Variant type: single nucleotide variant.
Coding change: c.210G>A on transcript NM_022552.5 (MANE Select); coding-DNA position 210, G replaced by A.
Protein change: p.Ala70=; no amino-acid change (alanine 70 retained).
Molecular consequence: synonymous variant. On other transcripts: non-coding transcript variant (1).
Genome position (GRCh38, 1-based): chr2:25,282,679, C>T on the plus strand (G>A on the coding strand, the complement: DNMT3A is on the minus strand). VCF-style: chr2-25282679-C-T. GRCh37 (hg19) VCF-style: chr2-25505548-C-T.
Other names: c.210G>A, p.Ala70= (NM_001320892.2, NM_175629.2, NM_175630.1).
Identifiers: ClinVar variation 737766 (VCV000737766.14), dbSNP rs779711186, ClinGen allele CA1556509.